The following is an entry in ClinVar:

NM_001145026.2(PTPRQ):c.1096C>A (p.Pro366Thr)

Gene: PTPRQ (protein tyrosine phosphatase receptor type Q; plus strand). Cytogenetic location: 12q21.31.
Variant type: single nucleotide variant.
Coding change: c.1096C>A on transcript NM_001145026.2 (MANE Select); coding-DNA position 1096, C replaced by A.
Protein change: p.Pro366Thr; replaces proline 366 with threonine.
Molecular consequence: missense variant.
Genome position (GRCh38, 1-based): chr12:80,472,161, C>A. VCF-style: chr12-80472161-C-A. GRCh37 (hg19) VCF-style: chr12-80865940-C-A.
Other names: short protein forms P366T.
Identifiers: ClinVar variation 4977329 (VCV004977329.1).

ClinVar aggregate classification (germline): Uncertain significance (1 of 4 stars; one submission).

Conditions:
PTPRQ-related disorder. Also called: PTPRQ-related condition.

gnomAD v4.1: 13 of 1,551,436 alleles (0.00084%); highest among the groups gnomAD compares: Admixed American, 0.026%; no homozygotes.

Submission:

PreventionGenetics, part of Exact Sciences
Classification: Uncertain significance for PTPRQ-related condition. Last evaluated: 2025-10-28. Review status: criteria provided, single submitter. Criteria: ACMG Guidelines, 2015. Collection method: clinical testing. Allele origin: germline.
Comment: The PTPRQ c.1096C>A variant is predicted to result in the amino acid substitution p.Pro366Thr. This variant was reported together with a second potentially causative PTPRQ variant in an individual with hearing loss (Patient 260, Table S3, Sloan-Heggen et al. 2016. PubMed ID: 26969326). This variant is reported in 0.027% of alleles in individuals of Latino descent in gnomAD. At this time, the clinical significance of this variant is uncertain due to the absence of conclusive functional and genetic evidence.